The following is an entry in ClinVar:

ClinVar aggregate classification (germline): Pathogenic (1 of 4 stars; one submission).

Conditions:
Autism spectrum disorder due to AUTS2 deficiency (MRD26). Also called: INTELLECTUAL DEVELOPMENTAL DISORDER, AUTOSOMAL DOMINANT 26. Identifiers: Orphanet 352490, MedGen C4014435, MONDO:0014361, OMIM 615834.

Submission:

Women's Health and Genetics/Laboratory Corporation of America, LabCorp
Classification: Pathogenic for Autism spectrum disorder due to AUTS2 deficiency. Last evaluated: 2025-06-16. Review status: criteria provided, single submitter. Criteria: LabCorp Variant Classification Summary - May 2015. Collection method: clinical testing. Allele origin: germline.
Comment: Variant summary: The variant involves the deletion of exons 1-19 in the AUTS2 gene. A presumed nomenclature of c.(?_-1180)_(*2511_?)del has been designated for the purposes of this classification. This deletion includes the entire coding sequence of the gene. As the exact proximal and distal breakpoints are unknown, it may extend beyond the annotated region of the gene to include other flanking genes. The variant was absent in 21694 control chromosomes. While c.(?_-1180)_(*2511_?)del has not been observed in individuals affected with Autism Spectrum Disorder Due To AUTS2 Deficiency, similar copy number variants encompassing the entire coding exons of this gene has been observed in individual(s) affected with Autism Spectrum Disorder (Beunders_2013). These data indicate that the variant may be associated with disease. To our knowledge, no experimental evidence demonstrating an impact on protein function has been reported. The following publication have been ascertained in the context of this evaluation (PMID: 23332918). ClinVar contains an entry for this variant (Variation ID: 2426187). Based on the evidence outlined above, the variant was classified as pathogenic.

Literature cited by the submitters: PubMed 23332918.

NC_000007.13:g.(?_69063460)_(70258493_?)del

Gene: AUTS2 (activator of transcription and developmental regulator AUTS2; plus strand). Cytogenetic location: 7q11.22.
Variant type: Deletion.
Identifiers: ClinVar variation 3907113 (VCV003907113.1).